The following is an entry in ClinVar:

ClinVar aggregate classification (germline): Likely benign. Review status: criteria provided, multiple submitters, no conflicts (2 of 4 stars). 2 submissions from 2 submitters: Likely benign (2). Last evaluated 2026-06-23.

Conditions:
Breast-ovarian cancer, familial, susceptibility to, 2 (BROVCA2). Also called: BRCA2 Hereditary Breast and Ovarian Cancer. Identifiers: Orphanet 145, MedGen C2675520, MONDO:0012933, OMIM 612555. Disease mechanism: loss of function.
Hereditary cancer-predisposing syndrome. Also called: Neoplastic Syndromes, Hereditary; Tumor predisposition; Hereditary neoplastic syndrome; Hereditary Cancer Syndrome. Identifiers: Orphanet 140162, MedGen C0027672, MeSH D009386, MONDO:0015356.

Submissions (2):

Myriad Genetics, Inc.
Classification: Likely benign for Breast-ovarian cancer, familial, susceptibility to, 2. Last evaluated: 2026-06-23. Review status: criteria provided, single submitter. Criteria: Myriad Autosomal Dominant, Autosomal Recessive and X-Linked Classification Criteria (2023). Collection method: clinical testing. Allele origin: unknown.
Comment: This variant is considered likely benign. This variant is strongly associated with less severe personal and family histories of cancer, typical for individuals without pathogenic variants in this gene [PMID: 25085752].

Ambry Genetics
Classification: Likely benign for Hereditary cancer-predisposing syndrome. Last evaluated: 2025-09-15. Review status: criteria provided, single submitter. Criteria: Ambry Variant Classification Scheme 2023. Collection method: clinical testing. Allele origin: germline.

Literature cited by the submitters: PubMed 25085752 (cited by Myriad Genetics, Inc.); PubMed 39779848 (cited by Ambry Genetics); PubMed 39779857 (cited by Ambry Genetics).

NM_000059.4(BRCA2):c.8382C>A (p.Phe2794Leu)

Gene: BRCA2 (BRCA2 DNA repair associated; plus strand). Cytogenetic location: 13q13.1.
Variant type: single nucleotide variant.
Coding change: c.8382C>A on transcript NM_000059.4 (MANE Select); coding-DNA position 8382, C replaced by A.
Protein change: p.Phe2794Leu; replaces phenylalanine 2794 with leucine.
Molecular consequence: missense variant. On other transcripts: non-coding transcript variant (1).
Genome position (GRCh38, 1-based): chr13:32,370,452, C>A. VCF-style: chr13-32370452-C-A. GRCh37 (hg19) VCF-style: chr13-32944589-C-A.
Other names: c.8286C>A, p.Phe2762Leu (NM_001406719.1); c.8382C>A, p.Phe2794Leu (NM_001406720.1, NM_001432077.1); c.3450C>A, p.Phe1150Leu (NM_001406721.1); c.1965C>A, p.Phe655Leu (NM_001406722.1); short protein forms F2762L, F655L, F2794L, F1150L.
Identifiers: ClinVar variation 4628351 (VCV004628351.2).